The following is an entry in ClinVar:

NM_005570.4(LMAN1):c.*1493A>G

Gene: LMAN1 (lectin, mannose binding 1; minus strand). Cytogenetic location: 18q21.32.
Variant type: single nucleotide variant.
Coding change: c.*1493A>G on transcript NM_005570.4 (MANE Select); 1493 bases downstream of the stop codon, A replaced by G.
Molecular consequence: 3 prime UTR variant.
Genome position (GRCh38, 1-based): chr18:59,329,600, T>C on the plus strand (A>G on the coding strand, the complement: LMAN1 is on the minus strand). VCF-style: chr18-59329600-T-C. GRCh37 (hg19) VCF-style: chr18-56996832-T-C.
Identifiers: ClinVar variation 889923 (VCV000889923.4), dbSNP rs529247031, ClinGen allele CA300973440.

ClinVar aggregate classification (germline): Benign (1 of 4 stars; one submission).

Conditions:
Factor V and factor VIII, combined deficiency of, type 1. Also called: FAMILIAL MULTIPLE COAGULATION FACTOR DEFICIENCY I; MULTIPLE COAGULATION FACTOR DEFICIENCY I; FMFD I; Combined factor V and VIII deficiency. Identifiers: Orphanet 35909, MedGen C4551981, MONDO:0009206, OMIM 227300.

Allele frequency attached by ClinVar (database versions not stated): gnomAD 0.00029 and 0.00076; TOPMed 0.00032; 1000 Genomes Project 0.00280; 1000 Genomes Project 30x 0.00281.

Submission:

Illumina Laboratory Services, Illumina
Classification: Benign for Factor V and factor VIII, combined deficiency of, type 1. Last evaluated: 2017-04-27. Review status: criteria provided, single submitter. Criteria: ICSL Variant Classification Criteria 13 December 2019. Collection method: clinical testing. Allele origin: germline.
Comment: This variant was observed as part of a predisposition screen in an ostensibly healthy population. A literature search was performed for the gene, cDNA change, and amino acid change (where applicable). No publications were found based on this search. Allele frequency data from public databases was too high to be consistent with this variant causing disease. Therefore, this variant is classified as benign.